The following is an entry in ClinVar:

NM_001130987.2(DYSF):c.268C>T (p.Arg90Ter)

Gene: DYSF (dysferlin; plus strand). Cytogenetic location: 2p13.2.
Variant type: single nucleotide variant.
Coding change: c.268C>T on transcript NM_001130987.2 (MANE Select); coding-DNA position 268, C replaced by T.
Protein change: p.Arg90Ter; replaces arginine 90 with a stop codon.
Molecular consequence: nonsense.
Genome position (GRCh38, 1-based): chr2:71,503,242, C>T. VCF-style: chr2-71503242-C-T. GRCh37 (hg19) VCF-style: chr2-71730372-C-T.
Other names: NM_001130987.2(DYSF):c.268C>T; p.Arg90Ter; c.268C>T, p.Arg90Ter (NM_001130455.2, NM_001130982.2, NM_001130983.2 and 3 more transcripts); c.265C>T, p.Arg89Ter (NM_001130976.2, NM_001130977.2, NM_001130978.2 and 4 more transcripts); short protein forms R89*, R90*.
Identifiers: ClinVar variation 197217 (VCV000197217.26), dbSNP rs794727636, ClinGen allele CA275254.

ClinVar aggregate classification (germline): Pathogenic. Review status: reviewed by expert panel (3 of 4 stars). 10 submissions from 10 submitters: Pathogenic (1). 9 of the submissions do not count toward it. Last evaluated 2025-04-16.

Conditions:
Distal myopathy with anterior tibial onset. Identifiers: Orphanet 178400, MedGen C1847532, MONDO:0011721, OMIM 606768.
Autosomal recessive limb-girdle muscular dystrophy type 2B (LGMDR2). Also called: MUSCULAR DYSTROPHY, LIMB-GIRDLE, TYPE 3; Limb-Girdle Muscular Dystrophy Type 2B (LGMD2B); MUSCULAR DYSTROPHY, LIMB-GIRDLE, AUTOSOMAL RECESSIVE 2; Limb-girdle muscular dystrophy, type 2B. Identifiers: Orphanet 268, MedGen C1850889, MONDO:0009676, OMIM 253601.
Miyoshi muscular dystrophy 1 (MMD1). Identifiers: Orphanet 45448, MedGen C4551973, MONDO:0024545, OMIM 254130.
Autosomal recessive limb-girdle muscular dystrophy. Identifiers: Orphanet 102015, MedGen C2931907, MONDO:0015152.
Neuromuscular disease caused by qualitative or quantitative defects of dysferlin. Also called: Qualitative or quantitative defects of dysferlin; Dysferlinopathy. Identifiers: Orphanet 207073, MedGen C2931687, MONDO:0016145.

Allele frequency attached by ClinVar (database versions not stated): gnomAD exomes below 0.00001; TOPMed below 0.00001.

Submissions (10):

ClinGen Limb Girdle Muscular Dystrophy Variant Curation Expert Panel, ClinGen
Classification: Pathogenic for Autosomal recessive limb-girdle muscular dystrophy. Last evaluated: 2025-04-16. Review status: reviewed by expert panel. Criteria: ClinGen LGMD VCEP ACMG Specifications DYSF V1.0.0. Collection method: curation. Allele origin: germline. Inheritance: Autosomal recessive inheritance.
Comment: The NM_003494.4: c.265C>T p.(Arg89Ter) variant in DYSF, which is also known as NM_001130987.2: c.268C>T (p.Arg90Ter), is a nonsense variant predicted to cause a premature stop codon in biologically relevant exon 4/55, leading to nonsense mediated decay in a gene in which loss of function is an established disease mechanism (PVS1). This variant has been identified in at least five unrelated individuals with features consistent with LGMD (PMID: 23641709; 18853459; 21173544; 19493611), including in a homozygous state in two patients, one with known familial consanguinity (0.75 pts, PMID: 18853459; 19493611). It has also been observed in unknown phase with a pathogenic variant (NM_003494.4: c.3126G>A p.(Trp1042Ter), 0.5 pts, PMID: 18853459) (PM3). At least one patient with this variant and a second presumed diagnostic DYSF variant had a clinical diagnosis of LGMD (Miyoshi myopathy) and severely reduced or absent dysferlin protein expression, which is highly specific for DYSF-associated LGMD (PMID: 18853459; 19493611; PP4_Strong). The highest population minor allele frequency is 0.00005974 in gnomAD v4.1.0 exomes (2/33480 African/African American chromosomes), which is less than the LGMD VCEP threshold (≤0.0001) for PM2_Supporting, meeting this criterion (PM2_Supporting). In summary, this variant meets the criteria to be classified as Pathogenic for autosomal recessive limb girdle muscular dystrophy based on the ACMG/AMP criteria applied, as specified by the ClinGen LGMD VCEP (LGMD VCEP specifications version 1.0.0; 04/16/2025): PVS1, PM3, PP4_Strong, PM2_Supporting.

CeGaT Center for Human Genetics Tuebingen
Classification: Pathogenic. Last evaluated: 2026-07-01. Review status: criteria provided, single submitter. Criteria: CeGaT Center For Human Genetics Tuebingen Variant Classification Criteria Version 2. Collection method: clinical testing. Allele origin: germline. Affected: yes. Observed: 1 variant allele. Not counted in ClinVar's aggregate classification.
Comment: DYSF: PVS1, PM3:Strong, PM2

Revvity Omics, Revvity
Classification: Pathogenic. Last evaluated: 2025-01-27. Review status: criteria provided, single submitter. Criteria: ACMG Guidelines, 2015. Collection method: clinical testing. Allele origin: germline. Not counted in ClinVar's aggregate classification.

Labcorp Genetics (formerly Invitae), Labcorp
Classification: Pathogenic for Neuromuscular disease caused by qualitative or quantitative defects of dysferlin. Last evaluated: 2024-10-18. Review status: criteria provided, single submitter. Criteria: Invitae Variant Classification Sherloc (09022015). Collection method: clinical testing. Allele origin: germline. Not counted in ClinVar's aggregate classification.
Comment: This sequence change creates a premature translational stop signal (p.Arg89*) in the DYSF gene. It is expected to result in an absent or disrupted protein product. Loss-of-function variants in DYSF are known to be pathogenic (PMID: 17698709, 20301480). This variant is present in population databases (rs794727636, gnomAD 0.0009%). This premature translational stop signal has been observed in individuals with DYSF-related conditions (PMID: 14673575, 18853459, 21173544, 23641709). ClinVar contains an entry for this variant (Variation ID: 197217). For these reasons, this variant has been classified as Pathogenic.

Natera, Inc.
Classification: Pathogenic for Limb-girdle muscular dystrophy type 2B. Last evaluated: 2024-05-30. Review status: criteria provided, single submitter. Criteria: Natera Variant Classification Schema (03/2026). Collection method: clinical testing. Allele origin: germline. Not counted in ClinVar's aggregate classification.
Comment: The c.265C>T variant in DYSF is a nonsense variant predicted to introduce a stop codon at amino acid 89. This variant is expected to result in nonsense mediated decay, truncation, or a dysfunctional protein product. This variant is rare in the general population with a frequency below the threshold expected for the associated phenotype(s). This variant has been observed in one or more individuals affected with the associated recessive disease, as either homozygous or compound heterozygous with a second variant (PMID: 23641709). Given the available evidence, this variant is classified as Pathogenic.

Baylor Genetics
Classification: Pathogenic for Miyoshi muscular dystrophy 1. Last evaluated: 2024-03-06. Review status: criteria provided, single submitter. Criteria: ACMG Guidelines, 2015. Collection method: clinical testing. Allele origin: unknown. Not counted in ClinVar's aggregate classification.

Eurofins Ntd Llc (ga)
Classification: Pathogenic. Last evaluated: 2015-03-17. Review status: criteria provided, single submitter. Criteria: EGL Classification Definitions 2015. Collection method: clinical testing. Allele origin: germline. Observed: 2 variant alleles, 1 heterozygote, 1 homozygote. Not counted in ClinVar's aggregate classification.

Juno Genomics, Hangzhou Juno Genomics, Inc
Classification: Pathogenic for Miyoshi muscular dystrophy 1; Autosomal recessive limb-girdle muscular dystrophy type 2B; Distal myopathy with anterior tibial onset. Review status: criteria provided, single submitter. Criteria: ACMG Guidelines, 2015. Collection method: clinical testing. Allele origin: germline. Not counted in ClinVar's aggregate classification.
Comment: Absent from controls (or at extremely low frequency if recessive) in Genome Aggregation Database.;Null variant in a gene where loss of function (LOF) is a known mechanism of disease.;For recessive disorders, detected in trans with a pathogenic variant.

Neuberg Centre For Genomic Medicine, NCGM
Classification: Pathogenic for Autosomal recessive limb-girdle muscular dystrophy type 2B. Review status: criteria provided, single submitter. Criteria: ACMG Guidelines, 2015. Collection method: clinical testing. Allele origin: germline. Inheritance: Autosomal recessive inheritance. Affected: yes. Not counted in ClinVar's aggregate classification.

Counsyl
Classification: Pathogenic for Autosomal recessive limb-girdle muscular dystrophy type 2B. Last evaluated: 2017-10-27. Review status: no assertion criteria provided. Collection method: clinical testing. Allele origin: unknown. Not counted in ClinVar's aggregate classification.

Literature cited by the submitters: PubMed 17698709 (cited by Labcorp Genetics (formerly Invitae), Labcorp); PubMed 20301480 (cited by Labcorp Genetics (formerly Invitae), Labcorp); PubMed 14673575 (cited by Labcorp Genetics (formerly Invitae), Labcorp); PubMed 18853459 (cited by Labcorp Genetics (formerly Invitae), Labcorp and Counsyl); PubMed 21173544 (cited by Labcorp Genetics (formerly Invitae), Labcorp); PubMed 23641709 (cited by Labcorp Genetics (formerly Invitae), Labcorp and Natera, Inc.).